The following is an entry in ClinVar:

ClinVar aggregate classification (germline): Uncertain significance (1 of 4 stars; one submission).

Conditions:
Inborn genetic diseases. Identifiers: MedGen C0950123, MeSH D030342.

Submission:

Ambry Genetics
Classification: Uncertain significance for Inborn genetic diseases. Last evaluated: 2025-04-10. Review status: criteria provided, single submitter. Criteria: Ambry Variant Classification Scheme 2023. Collection method: clinical testing. Allele origin: germline.
Comment: The p.K821N variant (also known as c.2463G>T), located in coding exon 1 of the SAMD9 gene, results from a G to T substitution at nucleotide position 2463. The lysine at codon 821 is replaced by asparagine, an amino acid with similar properties. This amino acid position is conserved. In addition, this alteration is predicted to be tolerated by in silico analysis. Based on the available evidence, the clinical significance of this variant remains unclear.

NM_017654.4(SAMD9):c.2463G>T (p.Lys821Asn)

Gene: SAMD9 (sterile alpha motif domain containing 9; minus strand). Cytogenetic location: 7q21.2.
Variant type: single nucleotide variant.
Coding change: c.2463G>T on transcript NM_017654.4 (MANE Select); coding-DNA position 2463, G replaced by T.
Protein change: p.Lys821Asn; replaces lysine 821 with asparagine.
Molecular consequence: missense variant.
Genome position (GRCh38, 1-based): chr7:93,103,635, C>A on the plus strand (G>T on the coding strand, the complement: SAMD9 is on the minus strand). VCF-style: chr7-93103635-C-A. GRCh37 (hg19) VCF-style: chr7-92732948-C-A.
Other names: c.2463G>T, p.Lys821Asn (NM_001193307.2); short protein forms K821N.
Identifiers: ClinVar variation 3949538 (VCV003949538.1).